The following is an entry in ClinVar:

NC_000017.10:g.(7352108_7357615)_(7357840_7358602)del

Gene: CHRNB1 (cholinergic receptor nicotinic beta 1 subunit; plus strand). Cytogenetic location: 17p13.1.
Variant type: Deletion.
Identifiers: ClinVar variation 1723268 (VCV001723268.1).

ClinVar aggregate classification (germline): Pathogenic (1 of 4 stars; one submission).

Conditions:
Congenital myasthenic syndrome 2C. Also called: Myasthenic syndrome, congenital, 2C, associated with acetylcholine receptor deficiency. Identifiers: Orphanet 590, MedGen C4225373, MONDO:0014582, OMIM 616314.

Submission:

Women's Health and Genetics/Laboratory Corporation of America, LabCorp
Classification: Pathogenic for Congenital myasthenic syndrome 2C. Last evaluated: 2022-10-10. Review status: criteria provided, single submitter. Criteria: LabCorp Variant Classification Summary - May 2015. Collection method: clinical testing. Allele origin: germline.
Comment: Variant summary: The variant identified by MLPA or other technology involves the deletion of exon 8 in the CHRNB1 gene. A presumed nomenclature of c.(820+1_821-1)_(1044+1_1045-1)del has been designated for the purposes of this classification. Although exact breakpoints of this deletion are not known, it is expected to result in a frameshift in the CHRNB1 gene, a known mechanism of disease. The variant was absent in 21694 control chromosomes (gnomAD structural variants dataset). The variant, c.(820+1_821-1)_(1044+1_1045-1)del, has been reported in the literature in multiple compound heterozygous individuals affected with Congenital Myasthenic Syndrome 2C (e.g. Quiram_1999, Shen_2020), in addition, the variant was also reported in homozygous state in a fetus presenting as lethal multiple pterygium syndrome in one family (Ravenscroft_2021). These data indicate that the variant is very likely to be associated with disease. At least one publication reported experimental evidence evaluating an impact on protein function, and demonstrated the cDNA lacking exon 8 essentially abolishes AChR expression in transfected HEK cells (Quiram_1999). At least one clinical diagnostic laboratory has submitted clinical-significance assessments for this variant to ClinVar after 2014, and classified the variant as pathogenic. Based on the evidence outlined above, the variant was classified as pathogenic.

Literature cited by the submitters: PubMed 33060286; PubMed 10562302; PubMed 32504635.